The following is an entry in ClinVar:

NM_133379.5(TTN):c.11474G>A (p.Gly3825Asp)

Gene: TTN (titin; minus strand). Cytogenetic location: 2q31.2.
Variant type: single nucleotide variant.
Coding change: c.11474G>A on transcript NM_133379.5; coding-DNA position 11474, G replaced by A.
Protein change: p.Gly3825Asp; replaces glycine 3825 with aspartic acid.
Molecular consequence: missense variant. On other transcripts: intron variant (6).
Genome position (GRCh38, 1-based): chr2:178,750,926, C>T on the plus strand (G>A on the coding strand, the complement: TTN is on the minus strand). VCF-style: chr2-178750926-C-T. GRCh37 (hg19) VCF-style: chr2-179615653-C-T.
Other names: c.10222+2198G>A (NM_003319.4); c.10798+2198G>A (NM_133437.4); c.10597+2198G>A (NM_133432.3); c.10360+2198G>A (NM_133378.4, NM_001256850.1); c.11311+2198G>A (NM_001267550.2); short protein forms G3825D.
Identifiers: ClinVar variation 809085 (VCV000809085.44), dbSNP rs1424099730, ClinGen allele CA349663398.

ClinVar aggregate classification (germline): Conflicting classifications of pathogenicity. Review status: criteria provided, conflicting classifications (1 of 4 stars). 3 submissions from 3 submitters: Uncertain significance (2); Likely benign (1). Last evaluated 2025-12-08.

Conditions:
TTN-related disorder. Also called: TTN-related disorders; TTN-related condition; TTN-related disease.

Allele frequency attached by ClinVar (database versions not stated): gnomAD 0.00001; TOPMed 0.00001.
gnomAD v4.1: 1 of 1,612,760 alleles (0.000062%); highest among the groups gnomAD compares: African/African-American, 0.0013%; no homozygotes.

Submissions (3):

PreventionGenetics, part of Exact Sciences
Classification: Uncertain significance for TTN-related condition. Last evaluated: 2025-12-08. Review status: criteria provided, single submitter. Criteria: ACMG Guidelines, 2015. Collection method: clinical testing. Allele origin: germline.
Comment: The TTN c.11311+2198G>A variant is predicted to interfere with splicing. Using an alternate transcript (NM_133379), this variant is a missense alteration, c.11474G>A (p.Gly3825Asp), located in exon 46 of the Novex-3 transcript (minor small cardiac isoform) which is the last exon of this transcript. To our knowledge, this variant has not been reported in the literature or in a large population database (gnomAD), indicating this variant is rare. However, the use of computer prediction programs is not equivalent to functional evidence, and therefore the clinical significance of this variant is uncertain.

Blueprint Genetics
Classification: Likely benign. Last evaluated: 2022-10-19. Review status: criteria provided, single submitter. Criteria: ACMG Guidelines, 2015. Collection method: clinical testing. Allele origin: germline.

CeGaT Center for Human Genetics Tuebingen
Classification: Uncertain significance. Last evaluated: 2017-07-01. Review status: criteria provided, single submitter. Criteria: CeGaT Center For Human Genetics Tuebingen Variant Classification Criteria Version 2. Collection method: clinical testing. Allele origin: germline. Affected: yes. Observed: 1 variant allele.